The following is an entry in ClinVar:

NM_000152.5(GAA):c.1424C>T (p.Pro475Leu)

Gene: GAA (alpha glucosidase; plus strand). Cytogenetic location: 17q25.3.
Variant type: single nucleotide variant.
Coding change: c.1424C>T on transcript NM_000152.5 (MANE Select); coding-DNA position 1424, C replaced by T.
Protein change: p.Pro475Leu; replaces proline 475 with leucine.
Molecular consequence: missense variant.
Genome position (GRCh38, 1-based): chr17:80,110,042, C>T. VCF-style: chr17-80110042-C-T. GRCh37 (hg19) VCF-style: chr17-78083841-C-T.
Other names: c.1424C>T, p.Pro475Leu (NM_001079803.3, NM_001079804.3, NM_001406741.1 and 1 more transcripts); short protein forms P475L.
Identifiers: ClinVar variation 2080310 (VCV002080310.2), dbSNP rs765931661, ClinGen allele CA8815314.

ClinVar aggregate classification (germline): Uncertain significance. Review status: criteria provided, multiple submitters, no conflicts (2 of 4 stars). 2 submissions from 2 submitters: Uncertain significance (2). Last evaluated 2026-07-01.

Conditions:
Glycogen storage disease, type II (IOPD). Also called: CARDIOMEGALIA GLYCOGENICA DIFFUSA; GLYCOGENOSIS, GENERALIZED, CARDIAC FORM; GSD II; Glycogen storage disease type 2; Acid maltase deficiency disease; Aglucosidase alfa. Identifiers: Orphanet 365, MedGen C0017921, MONDO:0009290, OMIM 232300.

Allele frequency attached by ClinVar (database versions not stated): ExAC 0.00001; gnomAD 0.00001; gnomAD exomes 0.00002.
gnomAD v4.1: 24 of 1,612,990 alleles (0.0015%); highest among the groups gnomAD compares: Middle Eastern, 0.016%; no homozygotes.

Submissions (2):

Genomenon, Inc
Classification: Uncertain significance for Glycogen storage disease, type II. Last evaluated: 2026-07-01. Review status: criteria provided, single submitter. Criteria: Genomenon Sequence Variant Interpretation Standards - Updated. Collection method: curation. Allele origin: germline. Affected: no.
Comment: GAA p.Pro475Leu (c.1424C>T) is a missense variant that changes the amino acid at codon 475 from Proline to Leucine. This variant has been reported in the published literature (PMID:28196920). It is absent or not present at a significant frequency in gnomAD. In silico models predict that this variant is not damaging. In conclusion, we classify GAA p.Pro475Leu (c.1424C>T) as a variant of uncertain significance.

Labcorp Genetics (formerly Invitae), Labcorp
Classification: Uncertain significance for Glycogen storage disease, type II. Last evaluated: 2022-03-18. Review status: criteria provided, single submitter. Criteria: Invitae Variant Classification Sherloc (09022015). Collection method: clinical testing. Allele origin: germline.
Comment: This sequence change replaces proline, which is neutral and non-polar, with leucine, which is neutral and non-polar, at codon 475 of the GAA protein (p.Pro475Leu). This variant is present in population databases (rs765931661, gnomAD 0.01%). This variant has not been reported in the literature in individuals affected with GAA-related conditions. Advanced modeling of protein sequence and biophysical properties (such as structural, functional, and spatial information, amino acid conservation, physicochemical variation, residue mobility, and thermodynamic stability) performed at Invitae indicates that this missense variant is expected to disrupt GAA protein function. In summary, the available evidence is currently insufficient to determine the role of this variant in disease. Therefore, it has been classified as a Variant of Uncertain Significance.

Literature cited by the submitters: PubMed 28196920 (cited by Genomenon, Inc).